The following is an entry in ClinVar:

ClinVar aggregate classification (germline): Pathogenic (0 of 4 stars; one submission).

Conditions:
NR0B1-related disorder.

Submission:

PreventionGenetics, part of Exact Sciences
Classification: Pathogenic for NR0B1-related condition. Last evaluated: 2024-04-11. Review status: no assertion criteria provided. Collection method: clinical testing. Allele origin: germline.
Comment: The NR0B1 c.670C>T variant is predicted to result in premature protein termination (p.Gln224*). This variant has been reported in an individual with adrenal hypoplasia (Krone et al 2005. PubMed ID: 15841486). This variant has not been reported in a large population database, indicating this variant is rare. Nonsense variants in NR0B1 are expected to be pathogenic. This variant is interpreted as pathogenic.

NM_000475.5(NR0B1):c.670C>T (p.Gln224Ter)

Gene: NR0B1 (nuclear receptor subfamily 0 group B member 1; minus strand). Cytogenetic location: Xp21.2.
Variant type: single nucleotide variant.
Coding change: c.670C>T on transcript NM_000475.5 (MANE Select); coding-DNA position 670, C replaced by T.
Protein change: p.Gln224Ter; replaces glutamine 224 with a stop codon.
Molecular consequence: nonsense.
Genome position (GRCh38, 1-based): chrX:30,308,694, G>A on the plus strand (C>T on the coding strand, the complement: NR0B1 is on the minus strand). VCF-style: chrX-30308694-G-A. GRCh37 (hg19) VCF-style: chrX-30326811-G-A.
Other names: short protein forms Q224*.
Identifiers: ClinVar variation 2630371 (VCV002630371.2), dbSNP rs2519051351, ClinGen allele CA412548129.